The following is an entry in ClinVar:

ClinVar aggregate classification (germline): Uncertain significance. Review status: criteria provided, multiple submitters, no conflicts (2 of 4 stars). 2 submissions from 2 submitters: Uncertain significance (2). Last evaluated 2025-08-21.

Conditions:
PUF60-related disorder. Also called: PUF60-related condition.

Submissions (2):

PreventionGenetics, part of Exact Sciences
Classification: Uncertain significance for PUF60-related condition. Last evaluated: 2025-08-21. Review status: criteria provided, single submitter. Criteria: ACMG Guidelines, 2015. Collection method: clinical testing. Allele origin: germline.
Comment: The PUF60 c.1679G>C variant is predicted to result in extension of the open reading frame (p.*560Serext*59). To our knowledge, this variant has not been reported in the literature or in a large population database (gnomAD), indicating this variant is rare. To our knowledge, this variant has not been reported in the literature or in a large population database (gnomAD), indicating this variant is rare. This variant is interpreted as uncertain in ClinVar (Variation ID: 2504989). An alternative de novo extension variant (c.1678T>A, p.*560Argext*?) has been reported in a patient with developmental and epileptic encephalopathy (Sedlackova et al. 2023. PubMed ID: 38008000) and in a fetus with congenital heart defects and preaxial polydactyly (referred to as p.*560Argext*204, Miao et al. 2023. PubMed ID: 38110042). Functional studies of this variant indicated that it leads to degradation of the elongated protein and loss of function of the PUF60 protein (Miao et al. 2023. PubMed ID: 38110042). Although we suspect that the c.1679G>C, p.*560Serext*59 variant may be pathogenic, at this time, the clinical significance of this variant is uncertain due to the absence of conclusive functional and genetic evidence.

GeneDx
Classification: Uncertain significance. Last evaluated: 2022-12-08. Review status: criteria provided, single submitter. Criteria: GeneDx Variant Classification Process June 2021. Collection method: clinical testing. Allele origin: germline. Affected: yes.
Comment: Normal stop codon changed to a Ser codon, leading to the addition of unknown amino acids at the C-terminus; Not observed at significant frequency in large population cohorts (gnomAD); Has not been previously published as pathogenic or benign to our knowledge

NM_078480.3(PUF60):c.1679G>C (p.Ter560Ser)

Gene: PUF60 (poly(U) binding splicing factor 60; minus strand). Cytogenetic location: 8q24.3.
Variant type: single nucleotide variant.
Coding change: c.1679G>C on transcript NM_078480.3 (MANE Select); coding-DNA position 1679, G replaced by C.
Protein change: p.Ter560Ser.
Molecular consequence: stop lost.
Genome position (GRCh38, 1-based): chr8:143,816,521, C>G on the plus strand (G>C on the coding strand, the complement: PUF60 is on the minus strand). VCF-style: chr8-143816521-C-G. GRCh37 (hg19) VCF-style: chr8-144898691-C-G.
Other names: c.1550G>C, p.Ter517Ser (NM_001136033.3); c.1625G>C, p.Ter542Ser (NM_001271096.2); c.1541G>C, p.Ter514Ser (NM_001271097.2); c.1676G>C, p.Ter559Ser (NM_001271098.2); c.1592G>C, p.Ter531Ser (NM_001271099.2); c.1499G>C, p.Ter500Ser (NM_001271100.2); c.1790G>C, p.Ter597Ser (NM_001362895.2, NM_001362896.2); c.1739G>C, p.Ter580Ser (NM_001362897.2); and 1 more.
Identifiers: ClinVar variation 2504989 (VCV002504989.2), dbSNP rs2538840936, ClinGen allele CA372484304.